The following is an entry in ClinVar:

ClinVar aggregate classification (germline): Pathogenic. Review status: criteria provided, multiple submitters, no conflicts (2 of 4 stars). 2 submissions from 2 submitters: Pathogenic (2). Last evaluated 2026-02-25.

Conditions:
Multiple congenital anomalies-hypotonia-seizures syndrome 1 (MCAHS1). Also called: PIGN-CDG; Congenital disorder of glycosylation due to PIGN deficiency; GLYCOSYLPHOSPHATIDYLINOSITOL BIOSYNTHESIS DEFECT 3. Identifiers: Orphanet 280633, MedGen C3279775, MONDO:0013563, OMIM 614080.

Allele frequency attached by ClinVar (database versions not stated): gnomAD exomes below 0.00001.
gnomAD v4.1: 3 of 1,598,422 alleles (0.00019%); highest among the groups gnomAD compares: Non-Finnish European, 0.00026%; no homozygotes.

Submissions (2):

Dasa
Classification: Pathogenic. Last evaluated: 2026-02-25. Review status: criteria provided, single submitter. Criteria: DASA Assertion Criteria. Collection method: clinical testing. Allele origin: germline.
Comment: NM_176787.5(PIGN):c.895C>T (p.Gln299*) introduces a premature termination codon predicted to result in loss of normal protein function. Loss-of-function is an established mechanism of disease for this gene. This variant has been reported in an affected individual with related phenotype in a genotype context consistent with recessive disease (PMID: 32220244). The variant is present at low frequency in population datasets. Based on the available data, this variant is classified as pathogenic.

Labcorp Genetics (formerly Invitae), Labcorp
Classification: Pathogenic for Multiple congenital anomalies-hypotonia-seizures syndrome 1. Last evaluated: 2025-04-09. Review status: criteria provided, single submitter. Criteria: Invitae Variant Classification Sherloc (09022015). Collection method: clinical testing. Allele origin: germline.
Comment: This sequence change creates a premature translational stop signal (p.Gln299*) in the PIGN gene. It is expected to result in an absent or disrupted protein product. Loss-of-function variants in PIGN are known to be pathogenic (PMID: 24253414, 27038415). This variant is present in population databases (no rsID available, gnomAD 0.002%). This premature translational stop signal has been observed in individual(s) with multiple congenital anomalies-hypotonia-seizures syndrome (PMID: 32220244). ClinVar contains an entry for this variant (Variation ID: 2972898). For these reasons, this variant has been classified as Pathogenic.

Literature cited by the submitters: PubMed 32220244 (cited by Dasa and Labcorp Genetics (formerly Invitae), Labcorp); PubMed 24253414 (cited by Labcorp Genetics (formerly Invitae), Labcorp); PubMed 27038415 (cited by Labcorp Genetics (formerly Invitae), Labcorp).

NM_176787.5(PIGN):c.895C>T (p.Gln299Ter)

Gene: PIGN (phosphatidylinositol glycan anchor biosynthesis class N; minus strand). Cytogenetic location: 18q21.33.
Variant type: single nucleotide variant.
Coding change: c.895C>T on transcript NM_176787.5 (MANE Select); coding-DNA position 895, C replaced by T.
Protein change: p.Gln299Ter; replaces glutamine 299 with a stop codon.
Molecular consequence: nonsense.
Genome position (GRCh38, 1-based): chr18:62,145,936, G>A on the plus strand (C>T on the coding strand, the complement: PIGN is on the minus strand). VCF-style: chr18-62145936-G-A. GRCh37 (hg19) VCF-style: chr18-59813169-G-A.
Other names: c.895C>T, p.Gln299Ter (NM_012327.6); short protein forms Q299*.
Identifiers: ClinVar variation 2972898 (VCV002972898.4), dbSNP rs1476863555, ClinGen allele CA402601039.